The following is an entry in ClinVar:

NM_001081.4(CUBN):c.7451C>A (p.Ala2484Asp)

Gene: CUBN (cubilin; minus strand). Cytogenetic location: 10p13.
Variant type: single nucleotide variant.
Coding change: c.7451C>A on transcript NM_001081.4 (MANE Select); coding-DNA position 7451, C replaced by A.
Protein change: p.Ala2484Asp; replaces alanine 2484 with aspartic acid.
Molecular consequence: missense variant.
Genome position (GRCh38, 1-based): chr10:16,913,893, G>T on the plus strand (C>A on the coding strand, the complement: CUBN is on the minus strand). VCF-style: chr10-16913893-G-T. GRCh37 (hg19) VCF-style: chr10-16955892-G-T.
Other names: short protein forms A2484D.
Identifiers: ClinVar variation 2178875 (VCV002178875.6), dbSNP rs745913035, ClinGen allele CA5423359.

ClinVar aggregate classification (germline): Uncertain significance. Review status: criteria provided, multiple submitters, no conflicts (2 of 4 stars). 3 submissions from 3 submitters: Uncertain significance (3). Last evaluated 2025-10-24.

Conditions:
Imerslund-Grasbeck syndrome type 1 (IGS1). Also called: Imerslund-Gräsbeck syndrome 1; Megaloblastic anemia 1, Finnish type; MEGALOBLASTIC ANEMIA, 1. Identifiers: MedGen C4016819, MONDO:0100156, OMIM 261100.
Proteinuria, chronic benign. Identifiers: MedGen C5394384, MONDO:0030042, OMIM 618884.
Inborn genetic diseases. Identifiers: MedGen C0950123, MeSH D030342.
Imerslund-Grasbeck syndrome. Also called: ENTEROCYTE COBALAMIN MALABSORPTION; ENTEROCYTE INTRINSIC FACTOR RECEPTOR, DEFECT OF; PERNICIOUS ANEMIA, JUVENILE, DUE TO SELECTIVE INTESTINAL MALABSORPTION OF VITAMIN B12, WITH PROTEINURIA; Imerslund-Gräsbeck syndrome; Megaloblastic anemia due to inborn errors of metabolism. Identifiers: Orphanet 35858, MedGen C4551825, MONDO:0009853.

Allele frequency attached by ClinVar (database versions not stated): ExAC 0.00001.
gnomAD v4.1: 7 of 1,614,072 alleles (0.00043%); highest among the groups gnomAD compares: Non-Finnish European, 0.00051%; no homozygotes.

Submissions (3):

Ambry Genetics
Classification: Uncertain significance for Inborn genetic diseases. Last evaluated: 2025-10-24. Review status: criteria provided, single submitter. Criteria: Ambry Variant Classification Scheme 2023. Collection method: clinical testing. Allele origin: germline.

Fulgent Genetics
Classification: Uncertain significance for Imerslund-Grasbeck syndrome type 1; Proteinuria, chronic benign. Last evaluated: 2024-05-27. Review status: criteria provided, single submitter. Criteria: ACMG Guidelines, 2015. Collection method: clinical testing. Allele origin: germline.

Labcorp Genetics (formerly Invitae), Labcorp
Classification: Uncertain significance for Imerslund-Grasbeck syndrome. Last evaluated: 2022-08-12. Review status: criteria provided, single submitter. Criteria: Invitae Variant Classification Sherloc (09022015). Collection method: clinical testing. Allele origin: germline.
Comment: In summary, the available evidence is currently insufficient to determine the role of this variant in disease. Therefore, it has been classified as a Variant of Uncertain Significance. Algorithms developed to predict the effect of missense changes on protein structure and function are either unavailable or do not agree on the potential impact of this missense change (SIFT: "Deleterious"; PolyPhen-2: "Benign"; Align-GVGD: "Class C25"). This variant has not been reported in the literature in individuals affected with CUBN-related conditions. This variant is present in population databases (rs745913035, gnomAD 0.003%). This sequence change replaces alanine, which is neutral and non-polar, with aspartic acid, which is acidic and polar, at codon 2484 of the CUBN protein (p.Ala2484Asp).